The following is an entry in ClinVar:

ClinVar aggregate classification (germline): Uncertain significance. Review status: criteria provided, multiple submitters, no conflicts (2 of 4 stars). 2 submissions from 2 submitters: Uncertain significance (2). Last evaluated 2024-05-24.

Conditions:
Inborn genetic diseases. Identifiers: MedGen C0950123, MeSH D030342.

Allele frequency attached by ClinVar (database versions not stated): gnomAD 0.00001.
gnomAD v4.1: 3 of 1,614,076 alleles (0.00019%); highest among the groups gnomAD compares: Non-Finnish European, 0.00017%; no homozygotes.

Submissions (2):

Ambry Genetics
Classification: Uncertain significance for Inborn genetic diseases. Last evaluated: 2024-05-24. Review status: criteria provided, single submitter. Criteria: Ambry Variant Classification Scheme 2023. Collection method: clinical testing. Allele origin: germline.

Labcorp Genetics (formerly Invitae), Labcorp
Classification: Uncertain significance. Last evaluated: 2022-02-03. Review status: criteria provided, single submitter. Criteria: Invitae Variant Classification Sherloc (09022015). Collection method: clinical testing. Allele origin: germline.
Comment: This sequence change replaces glutamine, which is neutral and polar, with lysine, which is basic and polar, at codon 1376 of the MYO5B protein (p.Gln1376Lys). This variant is not present in population databases (gnomAD no frequency). This variant has not been reported in the literature in individuals affected with MYO5B-related conditions. Algorithms developed to predict the effect of missense changes on protein structure and function are either unavailable or do not agree on the potential impact of this missense change (SIFT: "Deleterious"; PolyPhen-2: "Possibly Damaging"; Align-GVGD: "Class C0"). In summary, the available evidence is currently insufficient to determine the role of this variant in disease. Therefore, it has been classified as a Variant of Uncertain Significance.

NM_001080467.3(MYO5B):c.4126C>A (p.Gln1376Lys)

Gene: MYO5B (myosin VB; minus strand). Cytogenetic location: 18q21.1.
Variant type: single nucleotide variant.
Coding change: c.4126C>A on transcript NM_001080467.3 (MANE Select); coding-DNA position 4126, C replaced by A.
Protein change: p.Gln1376Lys; replaces glutamine 1376 with lysine.
Molecular consequence: missense variant.
Genome position (GRCh38, 1-based): chr18:49,853,544, G>T on the plus strand (C>A on the coding strand, the complement: MYO5B is on the minus strand). VCF-style: chr18-49853544-G-T. GRCh37 (hg19) VCF-style: chr18-47379914-G-T.
Other names: c.4126C>A (NM_001080467.2); short protein forms Q1376K.
Identifiers: ClinVar variation 1521404 (VCV001521404.6), dbSNP rs990825035, ClinGen allele CA299951514.
Genomic context (GRCh38, chr18:49,853,544, plus strand): 5'-GAACGCCGAATTCCACCTGGGCCTCTGGGGAGAGCAGTAGCGTCTGGCAGAAGGTCTGCT[G>T]CTGTTTGTCCATCTCCTCCTTCAGGGCCTCGAGCTGAGCCTTGAGATGCTCCACCTCCTC-3'
Protein context (NP_001073936.1, residues 1366-1386): EALKEEMDKQ[Gln1376Lys]QTFCQTLLLS